The following is an entry in ClinVar:

NM_018713.3(SLC30A10):c.1168C>T (p.Pro390Ser)

Gene: SLC30A10 (solute carrier family 30 member 10; minus strand). Cytogenetic location: 1q41.
Variant type: single nucleotide variant.
Coding change: c.1168C>T on transcript NM_018713.3 (MANE Select); coding-DNA position 1168, C replaced by T.
Protein change: p.Pro390Ser; replaces proline 390 with serine.
Molecular consequence: missense variant. On other transcripts: non-coding transcript variant (2).
Genome position (GRCh38, 1-based): chr1:219,915,739, G>A on the plus strand (C>T on the coding strand, the complement: SLC30A10 is on the minus strand). VCF-style: chr1-219915739-G-A. GRCh37 (hg19) VCF-style: chr1-220089081-G-A.
Other names: c.979C>T, p.Pro327Ser (NM_001376929.1); short protein forms P327S, P390S.
Identifiers: ClinVar variation 2164399 (VCV002164399.4), dbSNP rs762014945, ClinGen allele CA1399158.

ClinVar aggregate classification (germline): Uncertain significance (1 of 4 stars; one submission).

Allele frequency attached by ClinVar (database versions not stated): gnomAD 0.00002; TOPMed 0.00004.
gnomAD v4.1: 13 of 1,614,082 alleles (0.00081%); highest among the groups gnomAD compares: African/African-American, 0.017%; no homozygotes.

Submission:

Labcorp Genetics (formerly Invitae), Labcorp
Classification: Uncertain significance. Last evaluated: 2022-07-18. Review status: criteria provided, single submitter. Criteria: Invitae Variant Classification Sherloc (09022015). Collection method: clinical testing. Allele origin: germline.
Comment: In summary, the available evidence is currently insufficient to determine the role of this variant in disease. Therefore, it has been classified as a Variant of Uncertain Significance. Algorithms developed to predict the effect of missense changes on protein structure and function output the following: SIFT: "Tolerated"; PolyPhen-2: "Benign"; Align-GVGD: "Class C0". The serine amino acid residue is found in multiple mammalian species, which suggests that this missense change does not adversely affect protein function. This variant has not been reported in the literature in individuals affected with SLC30A10-related conditions. This variant is present in population databases (rs762014945, gnomAD 0.01%). This sequence change replaces proline, which is neutral and non-polar, with serine, which is neutral and polar, at codon 390 of the SLC30A10 protein (p.Pro390Ser).